The following is an entry in ClinVar:

NM_004260.4(RECQL4):c.2505C>A (p.Asp835Glu)

Gene: RECQL4 (RecQ like helicase 4; minus strand). Cytogenetic location: 8q24.3.
Variant type: single nucleotide variant.
Coding change: c.2505C>A on transcript NM_004260.4 (MANE Select); coding-DNA position 2505, C replaced by A.
Protein change: p.Asp835Glu; replaces aspartic acid 835 with glutamic acid.
Molecular consequence: missense variant. On other transcripts: non-coding transcript variant (3).
Genome position (GRCh38, 1-based): chr8:144,513,097, G>T on the plus strand (C>A on the coding strand, the complement: RECQL4 is on the minus strand). VCF-style: chr8-144513097-G-T. GRCh37 (hg19) VCF-style: chr8-145738480-G-T.
Other names: c.2211C>A, p.Asp737Glu (NM_001413017.1); c.2307C>A, p.Asp769Glu (NM_001413018.1); c.2505C>A, p.Asp835Glu (NM_001413019.1, NM_001413036.1); c.2409C>A, p.Asp803Glu (NM_001413020.1); c.1434C>A, p.Asp478Glu (NM_001413021.1, NM_001413022.1, NM_001413023.1 and 5 more transcripts); c.2376C>A, p.Asp792Glu (NM_001413025.1); c.1368C>A, p.Asp456Glu (NM_001413027.1, NM_001413030.1, NM_001413032.1 and 1 more transcripts); c.2154C>A, p.Asp718Glu (NM_001413029.1); and 6 more; short protein forms D346E, D412E, D434E, D456E, D468E, D478E, D718E, D737E.
Identifiers: ClinVar variation 2506671 (VCV002506671.1), dbSNP rs2130673341, ClinGen allele CA372677364.

ClinVar aggregate classification (germline): Uncertain significance (1 of 4 stars; one submission).

Submission:

GeneDx
Classification: Uncertain significance. Last evaluated: 2022-12-20. Review status: criteria provided, single submitter. Criteria: GeneDx Variant Classification Process June 2021. Collection method: clinical testing. Allele origin: germline. Affected: yes.
Comment: Not observed at significant frequency in large population cohorts (gnomAD); In silico analysis supports that this missense variant does not alter protein structure/function; Has not been previously published as pathogenic or benign to our knowledge